The following is an entry in ClinVar:

ClinVar aggregate classification (germline): Uncertain significance (1 of 4 stars; one submission).

Conditions:
Hereditary spastic paraplegia 49 (HSAN9). Also called: TECPR2-Related Hereditary Sensory and Autonomic Neuropathy with Intellectual Disability; NEUROPATHY, HEREDITARY SENSORY AND AUTONOMIC, TYPE IX, WITH DEVELOPMENTAL DELAY; Spastic paraplegia 49, autosomal recessive. Identifiers: Orphanet 320385, MedGen C5190860, MONDO:0014016, OMIM 615031.

Allele frequency attached by ClinVar (database versions not stated): gnomAD exomes below 0.00001; ExAC 0.00002.
gnomAD v4.1: 3 of 1,614,140 alleles (0.00019%); highest among the groups gnomAD compares: Non-Finnish European, 0.00025%; no homozygotes.

Submission:

Labcorp Genetics (formerly Invitae), Labcorp
Classification: Uncertain significance for Hereditary spastic paraplegia 49. Last evaluated: 2024-01-09. Review status: criteria provided, single submitter. Criteria: Invitae Variant Classification Sherloc (09022015). Collection method: clinical testing. Allele origin: germline.
Comment: This sequence change replaces threonine, which is neutral and polar, with methionine, which is neutral and non-polar, at codon 1042 of the TECPR2 protein (p.Thr1042Met). This variant is present in population databases (rs766200104, gnomAD 0.003%). This variant has not been reported in the literature in individuals affected with TECPR2-related conditions. An algorithm developed to predict the effect of missense changes on protein structure and function (PolyPhen-2) suggests that this variant is likely to be disruptive. In summary, the available evidence is currently insufficient to determine the role of this variant in disease. Therefore, it has been classified as a Variant of Uncertain Significance.

NM_014844.5(TECPR2):c.3125C>T (p.Thr1042Met)

Gene: TECPR2 (tectonin beta-propeller repeat containing 2; plus strand). Cytogenetic location: 14q32.31.
Variant type: single nucleotide variant.
Coding change: c.3125C>T on transcript NM_014844.5 (MANE Select); coding-DNA position 3125, C replaced by T.
Protein change: p.Thr1042Met; replaces threonine 1042 with methionine.
Molecular consequence: missense variant.
Genome position (GRCh38, 1-based): chr14:102,449,678, C>T. VCF-style: chr14-102449678-C-T. GRCh37 (hg19) VCF-style: chr14-102916015-C-T.
Other names: c.3125C>T, p.Thr1042Met (NM_001172631.3); short protein forms T1042M.
Identifiers: ClinVar variation 2884312 (VCV002884312.3), dbSNP rs766200104, ClinGen allele CA7358147.